The following is an entry in ClinVar:

ClinVar aggregate classification (germline): Uncertain significance. Review status: criteria provided, multiple submitters, no conflicts (2 of 4 stars). 2 submissions from 2 submitters: Uncertain significance (2). Last evaluated 2022-05-06.

Conditions:
Chédiak-Higashi syndrome (CHS). Also called: Chediak-Higashi Syndrome. Identifiers: Orphanet 167, MedGen C0007965, MONDO:0008963, OMIM 214500.

Allele frequency attached by ClinVar (database versions not stated): TOPMed below 0.00001; gnomAD 0.00001; gnomAD exomes 0.00001; ExAC 0.00003.
gnomAD v4.1: 21 of 1,613,454 alleles (0.0013%); highest among the groups gnomAD compares: Admixed American, 0.0067%; no homozygotes.

Submissions (2):

Revvity Omics, Revvity
Classification: Uncertain significance for Chédiak-Higashi syndrome. Last evaluated: 2022-05-06. Review status: criteria provided, single submitter. Criteria: ACMG Guidelines, 2015. Collection method: clinical testing. Allele origin: germline.

Labcorp Genetics (formerly Invitae), Labcorp
Classification: Uncertain significance for Chédiak-Higashi syndrome. Last evaluated: 2021-12-20. Review status: criteria provided, single submitter. Criteria: Invitae Variant Classification Sherloc (09022015). Collection method: clinical testing. Allele origin: germline.
Comment: This sequence change replaces arginine, which is basic and polar, with glutamine, which is neutral and polar, at codon 18 of the LYST protein (p.Arg18Gln). This variant is present in population databases (rs768197548, gnomAD 0.02%). This variant has not been reported in the literature in individuals affected with LYST-related conditions. ClinVar contains an entry for this variant (Variation ID: 1059837). Algorithms developed to predict the effect of missense changes on protein structure and function output the following: SIFT: "Tolerated"; PolyPhen-2: "Benign"; Align-GVGD: "Class C0". The glutamine amino acid residue is found in multiple mammalian species, which suggests that this missense change does not adversely affect protein function. Algorithms developed to predict the effect of sequence changes on RNA splicing suggest that this variant may create or strengthen a splice site. In summary, the available evidence is currently insufficient to determine the role of this variant in disease. Therefore, it has been classified as a Variant of Uncertain Significance.

NM_000081.4(LYST):c.53G>A (p.Arg18Gln)

Gene: LYST (lysosomal trafficking regulator; minus strand). Cytogenetic location: 1q42.3.
Variant type: single nucleotide variant.
Coding change: c.53G>A on transcript NM_000081.4 (MANE Select); coding-DNA position 53, G replaced by A.
Protein change: p.Arg18Gln; replaces arginine 18 with glutamine.
Molecular consequence: missense variant. On other transcripts: non-coding transcript variant (1).
Genome position (GRCh38, 1-based): chr1:235,830,365, C>T on the plus strand (G>A on the coding strand, the complement: LYST is on the minus strand). VCF-style: chr1-235830365-C-T. GRCh37 (hg19) VCF-style: chr1-235993665-C-T.
Other names: c.53G>A, p.Arg18Gln (NM_001301365.1); short protein forms R18Q.
Identifiers: ClinVar variation 1059837 (VCV001059837.6), dbSNP rs768197548, ClinGen allele CA1467745.